The following is an entry in ClinVar:

ClinVar aggregate classification (germline): Likely benign. Review status: criteria provided, multiple submitters, no conflicts (2 of 4 stars). 2 submissions from 2 submitters: Likely benign (2). Last evaluated 2023-03-26.

Allele frequency attached by ClinVar (database versions not stated): gnomAD exomes below 0.00001.
gnomAD v4.1: 4 of 1,567,898 alleles (0.00026%); highest among the groups gnomAD compares: Non-Finnish European, 0.00035%; no homozygotes.

Submissions (2):

Labcorp Genetics (formerly Invitae), Labcorp
Classification: Likely benign. Last evaluated: 2023-03-26. Review status: criteria provided, single submitter. Criteria: Invitae Variant Classification Sherloc (09022015). Collection method: clinical testing. Allele origin: germline.

Laboratory for Molecular Medicine, Mass General Brigham Personalized Medicine
Classification: Likely benign. Last evaluated: 2015-10-10. Review status: criteria provided, single submitter. Criteria: LMM Criteria. Collection method: clinical testing. Allele origin: germline. Observed: 1 variant allele.
Comment: p.Gly5366Gly in exon 75 of GPR98: This variant is not expected to have clinical significance because it does not alter an amino acid residue and is not located within the splice consensus sequence.

NM_032119.4(ADGRV1):c.16098C>T (p.Gly5366=)

Gene: ADGRV1 (adhesion G protein-coupled receptor V1; plus strand). Cytogenetic location: 5q14.3.
Variant type: single nucleotide variant.
Coding change: c.16098C>T on transcript NM_032119.4 (MANE Select); coding-DNA position 16098, C replaced by T.
Protein change: p.Gly5366=; no amino-acid change (glycine 5366 retained).
Molecular consequence: synonymous variant. On other transcripts: non-coding transcript variant (1).
Genome position (GRCh38, 1-based): chr5:90,815,638, C>T. VCF-style: chr5-90815638-C-T. GRCh37 (hg19) VCF-style: chr5-90111455-C-T.
Identifiers: ClinVar variation 227396 (VCV000227396.7), dbSNP rs876657471, ClinGen allele CA10576674.